The following is an entry in ClinVar:

ClinVar aggregate classification (germline): Conflicting classifications of pathogenicity. Review status: criteria provided, conflicting classifications (1 of 4 stars). 3 submissions from 2 submitters: Uncertain significance (2); Likely benign (1). Last evaluated 2023-07-01.

Conditions:
Dilated cardiomyopathy 1R (CMD1R). Identifiers: Orphanet 154, Orphanet 54260, MedGen C3150681, MONDO:0013261, OMIM 613424.
Hypertrophic cardiomyopathy 11. Also called: ACTC1-Related Familial Hypertrophic Cardiomyopathy. Identifiers: MedGen C2677506, MONDO:0012799, OMIM 612098.

Allele frequency attached by ClinVar (database versions not stated): TOPMed 0.00072.

Submissions (3):

CeGaT Center for Human Genetics Tuebingen
Classification: Likely benign. Last evaluated: 2023-07-01. Review status: criteria provided, single submitter. Criteria: CeGaT Center For Human Genetics Tuebingen Variant Classification Criteria Version 2. Collection method: clinical testing. Allele origin: germline. Affected: yes. Observed: 6 variant alleles.
Comment: ACTC1: BS1

Illumina Laboratory Services, Illumina
Classification: Uncertain significance for Hypertrophic cardiomyopathy 11. Last evaluated: 2018-01-12. Review status: criteria provided, single submitter. Criteria: ICSL Variant Classification Criteria 13 December 2019. Collection method: clinical testing. Allele origin: germline.

Illumina Laboratory Services, Illumina
Classification: Uncertain significance for Dilated cardiomyopathy 1R. Last evaluated: 2018-01-12. Review status: criteria provided, single submitter. Criteria: ICSL Variant Classification Criteria 13 December 2019. Collection method: clinical testing. Allele origin: germline.

NM_005159.4(ACTC1):c.*1732G>C

Genes: ACTC1 (actin alpha cardiac muscle 1; minus strand), GJD2-DT (GJD2 divergent transcript; plus strand). Cytogenetic location: 15q14.
Variant type: single nucleotide variant.
Coding change: c.*1732G>C on transcript NM_005159.4; 1732 bases downstream of the stop codon, G replaced by C.
Genome position (GRCh38, 1-based): chr15:34,788,680, C>G on the plus strand (G>C on the coding strand, the complement: ACTC1 is on the minus strand). VCF-style: chr15-34788680-C-G. GRCh37 (hg19) VCF-style: chr15-35080881-C-G.
Identifiers: ClinVar variation 885807 (VCV000885807.32), dbSNP rs750495564, ClinGen allele CA268658538.